The following is an entry in ClinVar:

ClinVar aggregate classification (germline): Uncertain significance (1 of 4 stars; one submission).

Conditions:
Cardiovascular phenotype. Identifiers: MedGen CN230736.

Allele frequency attached by ClinVar (database versions not stated): gnomAD exomes below 0.00001; TOPMed below 0.00001.

Submission:

Ambry Genetics
Classification: Uncertain significance for Cardiovascular phenotype. Last evaluated: 2025-09-17. Review status: criteria provided, single submitter. Criteria: Ambry Variant Classification Scheme 2023. Collection method: clinical testing. Allele origin: germline.
Comment: The p.V126A variant (also known as c.377T>C), located in coding exon 2 of the SCN10A gene, results from a T to C substitution at nucleotide position 377. The valine at codon 126 is replaced by alanine, an amino acid with similar properties. This amino acid position is conserved. In addition, the in silico prediction for this alteration is inconclusive. Based on the available evidence, the clinical significance of this variant remains unclear.

NM_006514.4(SCN10A):c.377T>C (p.Val126Ala)

Gene: SCN10A (sodium voltage-gated channel alpha subunit 10; minus strand). Cytogenetic location: 3p22.2.
Variant type: single nucleotide variant.
Coding change: c.377T>C on transcript NM_006514.4 (MANE Select); coding-DNA position 377, T replaced by C.
Protein change: p.Val126Ala; replaces valine 126 with alanine.
Molecular consequence: missense variant.
Genome position (GRCh38, 1-based): chr3:38,792,062, A>G on the plus strand (T>C on the coding strand, the complement: SCN10A is on the minus strand). VCF-style: chr3-38792062-A-G. GRCh37 (hg19) VCF-style: chr3-38833553-A-G.
Other names: c.377T>C, p.Val126Ala (NM_001293306.2, NM_001293307.2); short protein forms V126A.
Identifiers: ClinVar variation 3158496 (VCV003158496.2), dbSNP rs1352742342, ClinGen allele CA352160691.